The following is an entry in ClinVar:

ClinVar aggregate classification (germline): Uncertain significance (1 of 4 stars; one submission).

gnomAD v4.1: 4 of 1,614,252 alleles (0.00025%); highest among the groups gnomAD compares: Non-Finnish European, 0.00025%; no homozygotes.

Submission:

Women's Health and Genetics/Laboratory Corporation of America, LabCorp
Classification: Uncertain significance. Last evaluated: 2025-06-02. Review status: criteria provided, single submitter. Criteria: LabCorp Variant Classification Summary - May 2015. Collection method: clinical testing. Allele origin: germline.
Comment: Variant summary: TUBB3 c.1015A>G (p.Ser339Gly) results in a non-conservative amino acid change in the encoded protein sequence. Algorithms developed to predict the effect of missense changes on protein structure and function are either unavailable or do not agree on the potential impact of this missense change. The variant allele was found at a frequency of 4e-06 in 251468 control chromosomes. The available data on variant occurrences in the general population are insufficient to allow any conclusion about variant significance. To our knowledge, no occurrence of c.1015A>G in individuals affected with Fibrosis of extraocular muscles, congenital, 3A, with or without extraocular involvement and no experimental evidence demonstrating its impact on protein function have been reported. No submitters have cited clinical-significance assessments for this variant to ClinVar. Based on the evidence outlined above, the variant was classified as uncertain significance.

NM_006086.4(TUBB3):c.1015A>G (p.Ser339Gly)

Gene: TUBB3 (tubulin beta 3 class III; plus strand). Cytogenetic location: 16q24.3.
Variant type: single nucleotide variant.
Coding change: c.1015A>G on transcript NM_006086.4 (MANE Select); coding-DNA position 1015, A replaced by G.
Protein change: p.Ser339Gly; replaces serine 339 with glycine.
Molecular consequence: missense variant.
Genome position (GRCh38, 1-based): chr16:89,935,466, A>G. VCF-style: chr16-89935466-A-G. GRCh37 (hg19) VCF-style: chr16-90001874-A-G.
Other names: c.799A>G, p.Ser267Gly (NM_001197181.2); short protein forms S267G, S339G.
Identifiers: ClinVar variation 3907453 (VCV003907453.1).